The following is an entry in ClinVar:

NM_002439.5(MSH3):c.1393T>C (p.Tyr465His)

Gene: MSH3 (mutS homolog 3; plus strand). Cytogenetic location: 5q14.1.
Variant type: single nucleotide variant.
Coding change: c.1393T>C on transcript NM_002439.5 (MANE Select); coding-DNA position 1393, T replaced by C.
Protein change: p.Tyr465His; replaces tyrosine 465 with histidine.
Molecular consequence: missense variant.
Genome position (GRCh38, 1-based): chr5:80,725,505, T>C. VCF-style: chr5-80725505-T-C. GRCh37 (hg19) VCF-style: chr5-80021324-T-C.
Other names: short protein forms Y465H.
Identifiers: ClinVar variation 2829765 (VCV002829765.3), dbSNP rs2546753001, ClinGen allele CA360273491.

ClinVar aggregate classification (germline): Uncertain significance (1 of 4 stars; one submission).

Submission:

Labcorp Genetics (formerly Invitae), Labcorp
Classification: Uncertain significance. Last evaluated: 2023-01-18. Review status: criteria provided, single submitter. Criteria: Invitae Variant Classification Sherloc (09022015). Collection method: clinical testing. Allele origin: germline.
Comment: This sequence change replaces tyrosine, which is neutral and polar, with histidine, which is basic and polar, at codon 465 of the MSH3 protein (p.Tyr465His). This variant is not present in population databases (gnomAD no frequency). In summary, the available evidence is currently insufficient to determine the role of this variant in disease. Therefore, it has been classified as a Variant of Uncertain Significance. Algorithms developed to predict the effect of missense changes on protein structure and function output the following: SIFT: "Deleterious"; PolyPhen-2: "Benign"; Align-GVGD: "Class C0". The histidine amino acid residue is found in multiple mammalian species, which suggests that this missense change does not adversely affect protein function. This variant has not been reported in the literature in individuals affected with MSH3-related conditions.